The following is an entry in ClinVar:

ClinVar aggregate classification (germline): Pathogenic/Likely pathogenic. Review status: criteria provided, multiple submitters, no conflicts (2 of 4 stars). 2 submissions from 2 submitters: Pathogenic (1); Likely pathogenic (1). Last evaluated 2016-10-25.

Conditions:
Marfan syndrome (MFS). Also called: FBN1-Related Marfan Syndrome; Marfan syndrome type 1; Marfan's syndrome; Marfan syndrome, classic; MARFAN SYNDROME, TYPE I. Identifiers: Orphanet 284963, Orphanet 558, MedGen C0024796, MONDO:0007947, OMIM 154700.

Submissions (2):

GeneDx
Classification: Pathogenic. Last evaluated: 2016-10-25. Review status: criteria provided, single submitter. Criteria: GeneDx Variant Classification (06012015). Collection method: clinical testing. Allele origin: germline. Affected: yes.
Comment: The c.1211delC pathogenic variant in the FBN1 gene has not been previously reported to our knowledge. However, this variant has been classified in ClinVar as a likely pathogenic variant by another clinical laboratory (ClinVar SCV000052345.1; Landrum et al., 2016). In addition, a different nucleotide change in the FBN1 gene that results in the same frameshift (c.1206delT, p.Pro404HisfsX44) has been reported in the literature in association with Marfan syndrome (Baumgartner et al., 2006; Magyar et al., 2009).The c.1211delC variant causes a shift in reading frame starting at codon Proline 404, changing it to a Histidine, and creating a premature stop codon at position 44 of the new reading frame, denoted p.Pro404HisfsX44. This pathogenic variant is expected to result in either an abnormal, truncated protein product or loss of protein from this allele through nonsense-mediated mRNA decay. Multiple other downstream frameshift variants in the FBN1 gene have been reported in HGMD in association with Marfan syndrome (Stenson et al., 2014). Furthermore, the c.1211delC variant was not observed in approximately 6,500 individuals of European and African American ancestry in the NHLBI Exome Sequencing Project, indicating it is not a common benign variant in these populations.In summary, c.1211delC in the FBN1 gene is interpreted as a pathogenic variant.

Women's Health and Genetics/Laboratory Corporation of America, LabCorp
Classification: Likely pathogenic for Marfan Syndrome. Last evaluated: 2011-08-18. Review status: criteria provided, single submitter. Criteria: LabCorp Variant Classification Summary - May 2015. Collection method: curation, clinical testing. Allele origin: germline. Inheritance: autosomal unknown. Affected: yes.
ClinVar note: Converted during submission from likely pathogenic to Likely pathogenic.

NM_000138.5(FBN1):c.1211del (p.Pro404fs)

Gene: FBN1 (fibrillin 1; minus strand). Cytogenetic location: 15q21.1.
Variant type: Deletion.
Coding change: c.1211del on transcript NM_000138.5 (MANE Select); coding-DNA position 1211, one base deleted (C; older notation c.1211delC).
Protein change: p.Pro404fs; shifts the reading frame from proline 404.
Molecular consequence: frameshift variant.
Genome position (GRCh38, 1-based): chr15:48,516,299, G deleted on the plus strand (C on the coding strand, the reverse complement: FBN1 is on the minus strand); the first of 5 consecutive G bases (chr15:48,516,299-48,516,303); deleting any one gives the same sequence. VCF-style (leftmost placement, unchanged base first): chr15-48516298-TG-T. GRCh37 (hg19) VCF-style: chr15-48808495-TG-T.
Other names: c.1211delC (NM_000138.4); short protein forms P404fs.
Identifiers: ClinVar variation 36033 (VCV000036033.4), dbSNP rs112289537, ClinGen allele CA012028.